The following is an entry in ClinVar:

NM_033225.6(CSMD1):c.5117C>G (p.Ala1706Gly)

Gene: CSMD1 (CUB and Sushi multiple domains 1; minus strand). Cytogenetic location: 8p23.2.
Variant type: single nucleotide variant.
Coding change: c.5117C>G on transcript NM_033225.6 (MANE Select); coding-DNA position 5117, C replaced by G.
Protein change: p.Ala1706Gly; replaces alanine 1706 with glycine.
Molecular consequence: missense variant.
Genome position (GRCh38, 1-based): chr8:3,199,791, G>C on the plus strand (C>G on the coding strand, the complement: CSMD1 is on the minus strand). VCF-style: chr8-3199791-G-C. GRCh37 (hg19) VCF-style: chr8-3057313-G-C.
Other names: short protein forms A1706G.
Identifiers: ClinVar variation 2635906 (VCV002635906.1), dbSNP rs764157534, ClinGen allele CA369967260.

ClinVar aggregate classification (germline): Uncertain significance (1 of 4 stars; one submission).

Conditions:
CSMD1-related disorder. Also called: CSMD1-related condition.

Allele frequency attached by ClinVar (database versions not stated): gnomAD 0.00001.
gnomAD v4.1: 5 of 1,575,670 alleles (0.00032%); highest among the groups gnomAD compares: Non-Finnish European, 0.00034%; no homozygotes.

Submission:

PreventionGenetics, part of Exact Sciences
Classification: Uncertain significance for CSMD1-related condition. Last evaluated: 2022-11-28. Review status: criteria provided, single submitter. Criteria: ACMG Guidelines, 2015. Collection method: clinical testing. Allele origin: germline.
Comment: The CSMD1 c.5117C>G variant is predicted to result in the amino acid substitution p.Ala1706Gly. To our knowledge, this variant has not been reported in the literature. This variant is reported in 0.0012% of alleles in individuals of European (Non-Finnish) descent in gnomAD. At this time, the clinical significance of this variant is uncertain due to the absence of conclusive functional and genetic evidence.